The following is an entry in ClinVar:

ClinVar aggregate classification (germline): Uncertain significance. Review status: criteria provided, multiple submitters, no conflicts (2 of 4 stars). 3 submissions from 3 submitters: Uncertain significance (3). Last evaluated 2025-05-18.

Conditions:
Autosomal dominant Robinow syndrome 1. Also called: WNT5A-Related Robinow Syndrome, Autosomal Dominant; Covesdem syndrome (formerly); Costovertebral segmentation defect with mesomelia (formerly); ROBINOW DWARFISM; ACRAL DYSOSTOSIS WITH FACIAL AND GENITAL ABNORMALITIES; FETAL FACE SYNDROME. Identifiers: Orphanet 3107, Orphanet 97360, MedGen C4551475, MONDO:0024455, OMIM 180700.
Autosomal dominant Robinow syndrome 2. Identifiers: Orphanet 3107, Orphanet 97360, MedGen C4225363, MONDO:0014591, OMIM 616331.
Inborn genetic diseases. Identifiers: MedGen C0950123, MeSH D030342.

Allele frequency attached by ClinVar (database versions not stated): gnomAD 0.00001; gnomAD exomes 0.00001 and 0.00002; TOPMed 0.00006; ExAC 0.00008.
gnomAD v4.1: 18 of 1,578,140 alleles (0.0011%); highest among the groups gnomAD compares: South Asian, 0.007%; no homozygotes.

Submissions (3):

Labcorp Genetics (formerly Invitae), Labcorp
Classification: Uncertain significance. Last evaluated: 2025-05-18. Review status: criteria provided, single submitter. Criteria: Invitae Variant Classification Sherloc (09022015). Collection method: clinical testing. Allele origin: germline.
Comment: This sequence change replaces arginine, which is basic and polar, with cysteine, which is neutral and slightly polar, at codon 128 of the DVL1 protein (p.Arg128Cys). The frequency data for this variant in the population databases is considered unreliable, as metrics indicate poor data quality at this position in the gnomAD database. This variant has not been reported in the literature in individuals affected with DVL1-related conditions. ClinVar contains an entry for this variant (Variation ID: 1479849). Invitae Evidence Modeling of protein sequence and biophysical properties (such as structural, functional, and spatial information, amino acid conservation, physicochemical variation, residue mobility, and thermodynamic stability) indicates that this missense variant is not expected to disrupt DVL1 protein function with a negative predictive value of 80%. In summary, the available evidence is currently insufficient to determine the role of this variant in disease. Therefore, it has been classified as a Variant of Uncertain Significance.

Ambry Genetics
Classification: Uncertain significance for Inborn genetic diseases. Last evaluated: 2024-11-11. Review status: criteria provided, single submitter. Criteria: Ambry Variant Classification Scheme 2023. Collection method: clinical testing. Allele origin: germline.

Fulgent Genetics
Classification: Uncertain significance for Autosomal dominant Robinow syndrome 1; Autosomal dominant Robinow syndrome 2. Last evaluated: 2021-12-10. Review status: criteria provided, single submitter. Criteria: ACMG Guidelines, 2015. Collection method: clinical testing. Allele origin: unknown.

NM_001330311.2(DVL1):c.382C>T (p.Arg128Cys)

Gene: DVL1 (dishevelled segment polarity protein 1; minus strand). Cytogenetic location: 1p36.33.
Variant type: single nucleotide variant.
Coding change: c.382C>T on transcript NM_001330311.2 (MANE Select); coding-DNA position 382, C replaced by T.
Protein change: p.Arg128Cys; replaces arginine 128 with cysteine.
Molecular consequence: missense variant.
Genome position (GRCh38, 1-based): chr1:1,342,137, G>A on the plus strand (C>T on the coding strand, the complement: DVL1 is on the minus strand). VCF-style: chr1-1342137-G-A. GRCh37 (hg19) VCF-style: chr1-1277517-G-A.
Other names: c.382C>T (NM_004421.2); c.382C>T, p.Arg128Cys (NM_004421.3); short protein forms R128C.
Identifiers: ClinVar variation 1479849 (VCV001479849.10), dbSNP rs762913745, ClinGen allele CA520710.
Genomic context (GRCh38, chr1:1,342,137, plus strand): 5'-CACGCTCCCGCCGGTGACTGACCATGGACTCCGTGCCTGTCTCGTTGTCCATCCCGTCAC[G>A]GCTGCTGGCCACATTTGGGCTGTGCAACAAGAGCAGGGTGGGTGGGGAGGCCGTGGCCCC-3'
Protein context (NP_001317240.1, residues 118-138): PSFHPNVASS[Arg128Cys]DGMDNETGTE